The following is an entry in ClinVar:

NM_001267550.2(TTN):c.36507dup (p.Glu12170fs)

Gene: TTN (titin; minus strand). Cytogenetic location: 2q31.2.
Variant type: Duplication.
Coding change: c.36507dup on transcript NM_001267550.2 (MANE Select); coding-DNA position 36507, one base duplicated (A; older notation c.36507dupA).
Protein change: p.Glu12170fs; shifts the reading frame from glutamic acid 12170.
Molecular consequence: frameshift variant. On other transcripts: intron variant (5).
Genome position (GRCh38, 1-based): chr2:178,663,652, T duplicated on the plus strand (A on the coding strand, the reverse complement: TTN is on the minus strand); the first of 3 consecutive T bases (chr2:178,663,652-178,663,654); duplicating any one gives the same sequence. VCF-style (leftmost placement, unchanged base first): chr2-178663651-C-CT. GRCh37 (hg19) VCF-style: chr2-179528378-C-CT.
Other names: c.13283-21335dup (NM_003319.4); c.13859-21335dup (NM_133437.4); c.13658-21335dup (NM_133432.3); c.31484-597dup (NM_133378.4); c.34265-597dup (NM_001256850.1); short protein forms E12170fs.
Identifiers: ClinVar variation 1912209 (VCV001912209.5), dbSNP rs2472905437, ClinGen allele CA2580065022.

ClinVar aggregate classification (germline): Likely pathogenic (1 of 4 stars; one submission).

Conditions:
Dilated cardiomyopathy 1G (CMD1G). Identifiers: Orphanet 154, MedGen C1858763, MONDO:0011400, OMIM 604145.
Autosomal recessive limb-girdle muscular dystrophy type 2J (LGMDR10). Also called: Limb-girdle muscular dystrophy, type 2J; MUSCULAR DYSTROPHY, LIMB-GIRDLE, AUTOSOMAL RECESSIVE 10. Identifiers: Orphanet 140922, MedGen C1837342, MONDO:0012127, OMIM 608807.

Submission:

Labcorp Genetics (formerly Invitae), Labcorp
Classification: Likely pathogenic for Dilated cardiomyopathy 1G; Autosomal recessive limb-girdle muscular dystrophy type 2J. Last evaluated: 2024-10-18. Review status: criteria provided, single submitter. Criteria: Invitae Variant Classification Sherloc (09022015). Collection method: clinical testing. Allele origin: germline.
Comment: This sequence change creates a premature translational stop signal (p.Glu12170Argfs*3) in the TTN gene. While this is not anticipated to result in nonsense mediated decay, it is expected to create a truncated TTN protein. This variant is not present in population databases (gnomAD no frequency). This variant has not been reported in the literature in individuals affected with TTN-related conditions. ClinVar contains an entry for this variant (Variation ID: 1912209). Algorithms developed to predict the effect of sequence changes on RNA splicing suggest that this variant may disrupt the consensus splice site. This variant is located in the I band of TTN (PMID: 25589632). Truncating variants in this region have been reported in individuals affected with autosomal recessive centronuclear myopathy (PMID: 23975875, internal data). Truncating variants in this region have also been identified in individuals affected with autosomal dominant dilated cardiomyopathy and/or cardio-related conditions (PMID: 27869827, 32964742, internal data). In summary, the currently available evidence indicates that the variant is pathogenic, but additional data are needed to prove that conclusively. Therefore, this variant has been classified as Likely Pathogenic.

Literature cited by the submitters: PubMed 25589632; PubMed 23975875; PubMed 27869827; PubMed 32964742.